The following is an entry in ClinVar:

NM_024301.5(FKRP):c.1391A>T (p.Asn464Ile)

Gene: FKRP (fukutin related protein; plus strand). Cytogenetic location: 19q13.32.
Variant type: single nucleotide variant.
Coding change: c.1391A>T on transcript NM_024301.5 (MANE Select); coding-DNA position 1391, A replaced by T.
Protein change: p.Asn464Ile; replaces asparagine 464 with isoleucine.
Molecular consequence: missense variant.
Genome position (GRCh38, 1-based): chr19:46,756,841, A>T. VCF-style: chr19-46756841-A-T. GRCh37 (hg19) VCF-style: chr19-47260098-A-T.
Other names: c.1391A>T, p.Asn464Ile (NM_001039885.3); short protein forms N464I.
Identifiers: ClinVar variation 3907626 (VCV003907626.1).
Genomic context (GRCh38, chr19:46,756,841, plus strand): 5'-ACTTCCTGCAGCCGCTGGTGCCCCTGCCCTTTGCCGGCTTCGTGGCGCAGGCGCCTAACA[A>T]CTACCGCCGCTTCCTGGAGCTCAAGTTCGGGCCCGGGGTCATCGAGAACCCCCAGTACCC-3'
Protein context (NP_077277.1, residues 454-474): FAGFVAQAPN[Asn464Ile]YRRFLELKFG

ClinVar aggregate classification (germline): Uncertain significance (1 of 4 stars; one submission).

gnomAD v4.1: 1 of 1,601,638 alleles (0.000062%); highest among the groups gnomAD compares: Non-Finnish European, 0.000085%; no homozygotes.

Submission:

Women's Health and Genetics/Laboratory Corporation of America, LabCorp
Classification: Uncertain significance. Last evaluated: 2025-06-20. Review status: criteria provided, single submitter. Criteria: LabCorp Variant Classification Summary - May 2015. Collection method: clinical testing. Allele origin: germline.
Comment: Variant summary: FKRP c.1391A>T (p.Asn464Ile) results in a non-conservative amino acid change in the encoded protein sequence. Algorithms developed to predict the effect of missense changes on protein structure and function all suggest that this variant is likely to be disruptive. The variant was absent in 222600 control chromosomes. c.1391A>T has been observed in the compound heterozygous state in individuals affected with Limb-Girdle Muscular Dystrophy, Autosomal Recessive (Fu_2016, Song_2021). These data indicate that the variant may be associated with disease. At least one publication reports experimental evidence evaluating an impact on protein function, however, does not allow convincing conclusions about the variant effect (Ma_2024). The following publications have been ascertained in the context of this evaluation (PMID: 27439679, 37873263, 33200426). No submitters have cited clinical-significance assessments for this variant to ClinVar. Based on the evidence outlined above, the variant was classified as VUS-possibly pathogenic.

Literature cited by the submitters: PubMed 33200426; PubMed 27439679; PubMed 37873263.